The following is an entry in ClinVar:

NM_001353921.2(ARHGEF9):c.747A>G (p.Pro249=)

Gene: ARHGEF9 (Cdc42 guanine nucleotide exchange factor 9; minus strand). Cytogenetic location: Xq11.1.
Variant type: single nucleotide variant.
Coding change: c.747A>G on transcript NM_001353921.2 (MANE Select); coding-DNA position 747, A replaced by G.
Protein change: p.Pro249=; no amino-acid change (proline 249 retained).
Molecular consequence: synonymous variant.
Genome position (GRCh38, 1-based): chrX:63,678,408, T>C on the plus strand (A>G on the coding strand, the complement: ARHGEF9 is on the minus strand). VCF-style: chrX-63678408-T-C. GRCh37 (hg19) VCF-style: chrX-62898288-T-C.
Other names: c.567A>G, p.Pro189= (NM_001173479.2); c.420A>G, p.Pro140= (NM_001173480.2, NM_001369042.1); c.663A>G, p.Pro221= (NM_001330495.2, NM_001353927.2, NM_001369033.1 and 8 more transcripts); c.747A>G, p.Pro249= (NM_001353922.2); c.765A>G, p.Pro255= (NM_001353923.1); c.546A>G, p.Pro182= (NM_001353924.2, NM_001353926.2, NM_001369039.1 and 1 more transcripts); c.726A>G, p.Pro242= (NM_001353928.2, NM_001369030.1, NM_001369031.1 and 2 more transcripts); c.312A>G, p.Pro104= (NM_001369045.1); and 1 more.
Identifiers: ClinVar variation 1123857 (VCV001123857.10), dbSNP rs369716500, ClinGen allele CA10431916.

ClinVar aggregate classification (germline): Likely benign. Review status: criteria provided, multiple submitters, no conflicts (2 of 4 stars). 2 submissions from 2 submitters: Likely benign (2). Last evaluated 2025-02-15.

Conditions:
Developmental and epileptic encephalopathy, 8 (DEE8). Also called: HYPEREKPLEXIA AND EPILEPSY. Identifiers: Orphanet 163985, Orphanet 2076, MedGen C1845102, MONDO:0010375, OMIM 300607.
ARHGEF9-related disorder. Also called: ARHGEF9-related condition.

Allele frequency attached by ClinVar (database versions not stated): ESP Exome Variant Server 0.00009.
gnomAD v4.1: 6 of 1,205,504 alleles (0.0005%); highest among the groups gnomAD compares: African/African-American, 0.0018%; no homozygotes.

Submissions (2):

PreventionGenetics, part of Exact Sciences
Classification: Likely benign for ARHGEF9-related condition. Last evaluated: 2025-02-15. Review status: criteria provided, single submitter. Criteria: ACMG Guidelines, 2015. Collection method: clinical testing. Allele origin: germline.
Comment: This variant is classified as likely benign based on ACMG/AMP sequence variant interpretation guidelines (Richards et al. 2015 PMID: 25741868, with internal and published modifications).

Labcorp Genetics (formerly Invitae), Labcorp
Classification: Likely benign for Developmental and epileptic encephalopathy, 8. Last evaluated: 2025-02-02. Review status: criteria provided, single submitter. Criteria: Invitae Variant Classification Sherloc (09022015). Collection method: clinical testing. Allele origin: germline.